The following is an entry in ClinVar:

ClinVar aggregate classification (germline): Uncertain significance. Review status: criteria provided, multiple submitters, no conflicts (2 of 4 stars). 2 submissions from 2 submitters: Uncertain significance (2). Last evaluated 2025-01-23.

Conditions:
Hereditary cancer-predisposing syndrome. Also called: Tumor predisposition; Hereditary Cancer Syndrome; Hereditary neoplastic syndrome; Neoplastic Syndromes, Hereditary. Identifiers: Orphanet 140162, MedGen C0027672, MeSH D009386, MONDO:0015356.
POLD1-related polyposis and colorectal cancer syndrome (CRCS10). Also called: Colorectal cancer 10; COLORECTAL CANCER, SUSCEPTIBILITY TO, ON CHROMOSOME 19q; Colorectal cancer, susceptibility to, 10. Identifiers: Orphanet 220460, MedGen C2675481, MONDO:0012953, OMIM 612591.

Submissions (2):

Ambry Genetics
Classification: Uncertain significance for Hereditary cancer-predisposing syndrome. Last evaluated: 2025-01-23. Review status: criteria provided, single submitter. Criteria: Ambry Variant Classification Scheme 2023. Collection method: clinical testing. Allele origin: germline.
Comment: The c.1904dupA variant, located in coding exon 15 of the POLD1 gene, results from a duplication of A at nucleotide position 1904, causing a translational frameshift with a predicted alternate stop codon (p.D635Efs*104). This alteration is expected to result in protein truncation or nonsense-mediated mRNA decay. However, loss of function of POLD1 has not been established as a mechanism of disease. Based on the available evidence, the clinical significance of this alteration remains unclear.

Labcorp Genetics (formerly Invitae), Labcorp
Classification: Uncertain significance for POLD1-related polyposis and colorectal cancer syndrome. Last evaluated: 2020-08-20. Review status: criteria provided, single submitter. Criteria: Invitae Variant Classification Sherloc (09022015). Collection method: clinical testing. Allele origin: germline.
Comment: This sequence change creates a premature translational stop signal (p.Asp635Glufs*104) in the POLD1 gene. It is expected to result in an absent or disrupted protein product. This variant is not present in population databases (ExAC no frequency). This variant has not been reported in the literature in individuals with POLD1-related conditions. Missense variants that disrupt the 3'-5' exonuclease (proof-reading) activity of the POLD1 protein, are associated with an increased risk for colonic adenomatous polyps and colon cancer (PMID: 23263490, 23447401). However loss-of-function variants, which result in an absent or severely disrupted POLD1 protein, and missense variants outside the exonuclease domain, are unlikely to be associated with polyposis or colon cancer. Without further clinical and genetic evidence, this variant has been classified as a Variant of Uncertain Significance.

Literature cited by the submitters: PubMed 23263490 (cited by Labcorp Genetics (formerly Invitae), Labcorp); PubMed 23447401 (cited by Labcorp Genetics (formerly Invitae), Labcorp).

NM_002691.4(POLD1):c.1904dup (p.Asp635fs)

Gene: POLD1 (DNA polymerase delta 1, catalytic subunit; plus strand). Cytogenetic location: 19q13.33.
Variant type: Duplication.
Coding change: c.1904dup on transcript NM_002691.4 (MANE Select); coding-DNA position 1904, one base duplicated (A; older notation c.1904dupA).
Protein change: p.Asp635fs; shifts the reading frame from aspartic acid 635.
Molecular consequence: frameshift variant. On other transcripts: non-coding transcript variant (1).
Genome position (GRCh38, 1-based): chr19:50,409,133, A duplicated. VCF-style (leftmost placement, unchanged base first): chr19-50409132-G-GA. GRCh37 (hg19) VCF-style: chr19-50912389-G-GA.
Other names: c.1904dup, p.Asp635fs (NM_001256849.1); c.1982dup, p.Asp661fs (NM_001308632.1); c.1904dupA (NM_002691.2); short protein forms D635fs, D661fs.
Identifiers: ClinVar variation 1058508 (VCV001058508.10), dbSNP rs2122375684, ClinGen allele CA2499225569.